The following is an entry in ClinVar:

ClinVar aggregate classification (germline): Uncertain significance. Review status: criteria provided, multiple submitters, no conflicts (2 of 4 stars). 2 submissions from 2 submitters: Uncertain significance (2). Last evaluated 2025-05-05.

Conditions:
Inborn genetic diseases. Identifiers: MedGen C0950123, MeSH D030342.

Allele frequency attached by ClinVar (database versions not stated): gnomAD exomes 0.00001.
gnomAD v4.1: 10 of 1,613,922 alleles (0.00062%); highest among the groups gnomAD compares: Middle Eastern, 0.016%; no homozygotes.

Submissions (2):

Ambry Genetics
Classification: Uncertain significance for Inborn genetic diseases. Last evaluated: 2025-05-05. Review status: criteria provided, single submitter. Criteria: Ambry Variant Classification Scheme 2023. Collection method: clinical testing. Allele origin: germline.

Labcorp Genetics (formerly Invitae), Labcorp
Classification: Uncertain significance. Last evaluated: 2023-04-09. Review status: criteria provided, single submitter. Criteria: Invitae Variant Classification Sherloc (09022015). Collection method: clinical testing. Allele origin: germline.
Comment: This variant is present in population databases (no rsID available, gnomAD 0.003%). This sequence change replaces threonine, which is neutral and polar, with methionine, which is neutral and non-polar, at codon 546 of the CDK13 protein (p.Thr546Met). This variant has not been reported in the literature in individuals affected with CDK13-related conditions. In summary, the available evidence is currently insufficient to determine the role of this variant in disease. Therefore, it has been classified as a Variant of Uncertain Significance. Advanced modeling of protein sequence and biophysical properties (such as structural, functional, and spatial information, amino acid conservation, physicochemical variation, residue mobility, and thermodynamic stability) has been performed at Invitae for this missense variant, however the output from this modeling did not meet the statistical confidence thresholds required to predict the impact of this variant on CDK13 protein function.

NM_003718.5(CDK13):c.1637C>T (p.Thr546Met)

Gene: CDK13 (cyclin dependent kinase 13; plus strand). Cytogenetic location: 7p14.1.
Variant type: single nucleotide variant.
Coding change: c.1637C>T on transcript NM_003718.5 (MANE Select); coding-DNA position 1637, C replaced by T.
Protein change: p.Thr546Met; replaces threonine 546 with methionine.
Molecular consequence: missense variant.
Genome position (GRCh38, 1-based): chr7:39,988,024, C>T. VCF-style: chr7-39988024-C-T. GRCh37 (hg19) VCF-style: chr7-40027623-C-T.
Other names: c.1637C>T, p.Thr546Met (NM_031267.4); short protein forms T546M.
Identifiers: ClinVar variation 2906340 (VCV002906340.4), dbSNP rs1410364557, ClinGen allele CA367283587.